The following is an entry in ClinVar:

NM_001142800.2(EYS):c.9246T>A (p.Asp3082Glu)

Genes: EYS (EGF-like photoreceptor maintenance factor; minus strand), PHF3 (PHD finger protein 3; plus strand). Cytogenetic location: 6q12.
Variant type: single nucleotide variant.
Coding change: c.9246T>A on transcript NM_001142800.2 (MANE Select); coding-DNA position 9246, T replaced by A.
Protein change: p.Asp3082Glu; replaces aspartic acid 3082 with glutamic acid.
Molecular consequence: missense variant. On other transcripts: 3 prime UTR variant (5).
Genome position (GRCh38, 1-based): chr6:63,720,785, A>T on the plus strand (T>A on the coding strand, the complement: EYS is on the minus strand). VCF-style: chr6-63720785-A-T. GRCh37 (hg19) VCF-style: chr6-64430681-A-T.
Other names: c.*7077A>T (NM_001290259.2, NM_001370348.2, NM_001370349.2 and 2 more transcripts); c.9309T>A, p.Asp3103Glu (NM_001292009.2); short protein forms D3082E, D3103E.
Identifiers: ClinVar variation 3635299 (VCV003635299.2).

ClinVar aggregate classification (germline): Uncertain significance (1 of 4 stars; one submission).

Submission:

Labcorp Genetics (formerly Invitae), Labcorp
Classification: Uncertain significance. Last evaluated: 2024-03-21. Review status: criteria provided, single submitter. Criteria: Invitae Variant Classification Sherloc (09022015). Collection method: clinical testing. Allele origin: germline.
Comment: This sequence change replaces aspartic acid, which is acidic and polar, with glutamic acid, which is acidic and polar, at codon 3082 of the EYS protein (p.Asp3082Glu). This variant is not present in population databases (gnomAD no frequency). This variant has not been reported in the literature in individuals affected with EYS-related conditions. Algorithms developed to predict the effect of missense changes on protein structure and function output the following: SIFT: "Not Available"; PolyPhen-2: "Benign"; Align-GVGD: "Not Available". The glutamic acid amino acid residue is found in multiple mammalian species, which suggests that this missense change does not adversely affect protein function. In summary, the available evidence is currently insufficient to determine the role of this variant in disease. Therefore, it has been classified as a Variant of Uncertain Significance.